The following is an entry in ClinVar:

NM_001282680.3(GAPVD1):c.2429-1777A>T

Gene: GAPVD1 (GTPase activating protein and VPS9 domains 1; plus strand). Cytogenetic location: 9q33.3.
Variant type: single nucleotide variant.
Coding change: c.2429-1777A>T on transcript NM_001282680.3 (MANE Select); 1777 bases into the intron before coding-DNA position 2429, A replaced by T.
Molecular consequence: intron variant. On other transcripts: missense variant (2).
Genome position (GRCh38, 1-based): chr9:125,335,241, A>T. VCF-style: chr9-125335241-A-T. GRCh37 (hg19) VCF-style: chr9-128097520-A-T.
Other names: c.2498A>T, p.Gln833Leu (NM_001354298.2, NM_015635.4); c.2429-1777A>T (NM_001354296.2, NM_001354301.2, NM_001354299.2 and 4 more transcripts); c.2366-1777A>T (NM_001354297.2, NM_001354300.2, NM_001330777.3 and 1 more transcripts); short protein forms Q833L.
Identifiers: ClinVar variation 3049864 (VCV003049864.2), dbSNP rs145786844, ClinGen allele CA5240435.

ClinVar aggregate classification (germline): Likely benign (0 of 4 stars; one submission).

Conditions:
GAPVD1-related disorder. Also called: GAPVD1-related condition.

Allele frequency attached by ClinVar (database versions not stated): 1000 Genomes Project 0.00080; 1000 Genomes Project 30x 0.00109; gnomAD 0.00188; TOPMed 0.00214; ESP Exome Variant Server 0.00254.
gnomAD v4.1: 387 of 765,744 alleles (0.051%); highest among the groups gnomAD compares: African/African-American, 0.61%; 2 homozygotes.

Submission:

PreventionGenetics, part of Exact Sciences
Classification: Likely benign for GAPVD1-related condition. Last evaluated: 2021-02-18. Review status: no assertion criteria provided. Collection method: clinical testing. Allele origin: germline.
Comment: This variant is classified as likely benign based on ACMG/AMP sequence variant interpretation guidelines (Richards et al. 2015 PMID: 25741868, with internal and published modifications).